The following is an entry in ClinVar:

ClinVar aggregate classification (germline): Likely pathogenic (1 of 4 stars; one submission).

Conditions:
Dilated cardiomyopathy 1G (CMD1G). Identifiers: Orphanet 154, MedGen C1858763, MONDO:0011400, OMIM 604145.
Autosomal recessive limb-girdle muscular dystrophy type 2J (LGMDR10). Also called: MUSCULAR DYSTROPHY, LIMB-GIRDLE, AUTOSOMAL RECESSIVE 10; Limb-girdle muscular dystrophy, type 2J. Identifiers: Orphanet 140922, MedGen C1837342, MONDO:0012127, OMIM 608807.

Submission:

Labcorp Genetics (formerly Invitae), Labcorp
Classification: Likely pathogenic for Dilated cardiomyopathy 1G; Autosomal recessive limb-girdle muscular dystrophy type 2J. Last evaluated: 2024-10-17. Review status: criteria provided, single submitter. Criteria: Invitae Variant Classification Sherloc (09022015). Collection method: clinical testing. Allele origin: germline.
Comment: This sequence change creates a premature translational stop signal (p.Pro3805Glnfs*27) in the TTN gene. While this is not anticipated to result in nonsense mediated decay, it is expected to create a truncated TTN protein. This variant is not present in population databases (gnomAD no frequency). This variant has not been reported in the literature in individuals affected with TTN-related conditions. ClinVar contains an entry for this variant (Variation ID: 852053). This variant is located in the I band of TTN (PMID: 25589632). Truncating variants in this region have been reported in individuals affected with autosomal recessive centronuclear myopathy (PMID: 23975875, internal data). Truncating variants in this region have also been identified in individuals affected with autosomal dominant dilated cardiomyopathy and/or cardio-related conditions (PMID: 27869827, 32964742, internal data). In summary, the currently available evidence indicates that the variant is pathogenic, but additional data are needed to prove that conclusively. Therefore, this variant has been classified as Likely Pathogenic.

Literature cited by the submitters: PubMed 25589632; PubMed 23975875; PubMed 27869827; PubMed 32964742.

NM_001267550.2(TTN):c.11412del (p.Pro3805fs)

Gene: TTN (titin; minus strand). Cytogenetic location: 2q31.2.
Variant type: Deletion.
Coding change: c.11412del on transcript NM_001267550.2 (MANE Select); coding-DNA position 11412, one base deleted (T; older notation c.11412delT).
Protein change: p.Pro3805fs; shifts the reading frame from proline 3805.
Molecular consequence: frameshift variant. On other transcripts: intron variant (1).
Genome position (GRCh38, 1-based): chr2:178,741,821, A deleted on the plus strand (T on the coding strand, the reverse complement: TTN is on the minus strand). VCF-style (leftmost placement, unchanged base first): chr2-178741820-GA-G. GRCh37 (hg19) VCF-style: chr2-179606547-GA-G.
Other names: c.10461del, p.Pro3488fs (NM_001256850.1); c.10323del, p.Pro3442fs (NM_003319.4); c.10698del, p.Pro3567fs (NM_133432.3); c.10899del, p.Pro3634fs (NM_133437.4); c.10361-3461del (NM_133378.4); short protein forms P3488fs, P3634fs, P3805fs, P3442fs, P3567fs.
Identifiers: ClinVar variation 852053 (VCV000852053.10), dbSNP rs2082534727, ClinGen allele CA916081384.